The following is an entry in ClinVar:

NM_014611.3(MDN1):c.818T>C (p.Val273Ala)

Gene: MDN1 (midasin AAA ATPase 1; minus strand). Cytogenetic location: 6q15.
Variant type: single nucleotide variant.
Coding change: c.818T>C on transcript NM_014611.3 (MANE Select); coding-DNA position 818, T replaced by C.
Protein change: p.Val273Ala; replaces valine 273 with alanine.
Molecular consequence: missense variant.
Genome position (GRCh38, 1-based): chr6:89,793,799, A>G on the plus strand (T>C on the coding strand, the complement: MDN1 is on the minus strand). VCF-style: chr6-89793799-A-G. GRCh37 (hg19) VCF-style: chr6-90503518-A-G.
Other names: short protein forms V273A.
Identifiers: ClinVar variation 91980 (VCV000091980.2), dbSNP rs386352329, ClinGen allele CA232287.
Genomic context (GRCh38, chr6:89,793,799, plus strand): 5'-ACCCCCTACTGATACCAACATACCAGCTCTCCAGGGGCTGGCAGCTGCCCAGGCAGCACC[A>G]CACCACAAACAGCTGTCACCCTAGGGGAGAGGTCAGACGAAACAAGATGTCCCTGTAAGT-3'
Protein context (NP_055426.1, residues 263-283): LSPRVTAVCG[Val273Ala]VLPGQLPAPG

ClinVar aggregate classification (germline): Uncertain significance (0 of 4 stars; one submission).

Submission:

Richard Lifton Laboratory, Yale University School of Medicine
Classification: Uncertain significance. Review status: no assertion criteria provided. Collection method: not provided. Allele origin: somatic.
Comment: MDN1
ClinVar note: Converted during submission from unknown to Uncertain significance.